The following is an entry in ClinVar:

NM_000384.3(APOB):c.7162G>C (p.Asp2388His)

Gene: APOB (apolipoprotein B; minus strand). Cytogenetic location: 2p24.1.
Variant type: single nucleotide variant.
Coding change: c.7162G>C on transcript NM_000384.3 (MANE Select); coding-DNA position 7162, G replaced by C.
Protein change: p.Asp2388His; replaces aspartic acid 2388 with histidine.
Molecular consequence: missense variant.
Genome position (GRCh38, 1-based): chr2:21,009,706, C>G on the plus strand (G>C on the coding strand, the complement: APOB is on the minus strand). VCF-style: chr2-21009706-C-G. GRCh37 (hg19) VCF-style: chr2-21232578-C-G.
Other names: c.7162G>C (NM_000384.2); short protein forms D2388H.
Identifiers: ClinVar variation 2177837 (VCV002177837.6), dbSNP rs1332744611, ClinGen allele CA345997817.

ClinVar aggregate classification (germline): Conflicting classifications of pathogenicity. Review status: criteria provided, conflicting classifications (1 of 4 stars). 2 submissions from 2 submitters: Uncertain significance (1); Likely benign (1). Last evaluated 2024-05-02.

Conditions:
Familial hypobetalipoproteinemia 1. Also called: APOB-Related Familial Hypobetalipoproteinemia; Hypobetalipoproteinemia, normotriglyceridemic; Acanthocytosis with hypobetalipoproteinemia. Identifiers: MedGen C4551990, MONDO:0014252, OMIM 615558.
Hypercholesterolemia, autosomal dominant, type B (FHCL2). Also called: Familial Hypercholesterolemia Type B; APOLIPOPROTEIN B-100, FAMILIAL DEFECTIVE; APOLIPOPROTEIN B-100, FAMILIAL LIGAND-DEFECTIVE; HYPERCHOLESTEROLEMIA, FAMILIAL, DUE TO LIGAND-DEFECTIVE APOLIPOPROTEIN B; Hyperlipoproteinemia Type IIb; APOB-Related Familial Hypercholesterolemia, Autosomal Dominant. Identifiers: MedGen C1704417, MONDO:0007751, OMIM 144010.
Cardiovascular phenotype. Identifiers: MedGen CN230736.

gnomAD v4.1: 3 of 1,613,500 alleles (0.00019%); no homozygotes.

Submissions (2):

Labcorp Genetics (formerly Invitae), Labcorp
Classification: Likely benign for Familial hypobetalipoproteinemia 1; Hypercholesterolemia, autosomal dominant, type B. Last evaluated: 2024-05-02. Review status: criteria provided, single submitter. Criteria: Invitae Variant Classification Sherloc (09022015). Collection method: clinical testing. Allele origin: germline.

Ambry Genetics
Classification: Uncertain significance for Cardiovascular phenotype. Last evaluated: 2023-09-08. Review status: criteria provided, single submitter. Criteria: Ambry Variant Classification Scheme 2023. Collection method: clinical testing. Allele origin: germline.
Comment: The p.D2388H variant (also known as c.7162G>C), located in coding exon 26 of the APOB gene, results from a G to C substitution at nucleotide position 7162. The aspartic acid at codon 2388 is replaced by histidine, an amino acid with similar properties. This amino acid position is conserved. In addition, this alteration is predicted to be tolerated by in silico analysis. Since supporting evidence is limited at this time, the clinical significance of this alteration remains unclear.